The following is an entry in ClinVar:

NM_015346.4(ZFYVE26):c.1482C>A (p.Asn494Lys)

Gene: ZFYVE26 (zinc finger FYVE-type containing 26; minus strand). Cytogenetic location: 14q24.1.
Variant type: single nucleotide variant.
Coding change: c.1482C>A on transcript NM_015346.4 (MANE Select); coding-DNA position 1482, C replaced by A.
Protein change: p.Asn494Lys; replaces asparagine 494 with lysine.
Molecular consequence: missense variant.
Genome position (GRCh38, 1-based): chr14:67,802,236, G>T on the plus strand (C>A on the coding strand, the complement: ZFYVE26 is on the minus strand). VCF-style: chr14-67802236-G-T. GRCh37 (hg19) VCF-style: chr14-68268953-G-T.
Other names: short protein forms N494K.
Identifiers: ClinVar variation 969765 (VCV000969765.9), dbSNP rs559473389, ClinGen allele CA7240507.

ClinVar aggregate classification (germline): Conflicting classifications of pathogenicity. Review status: criteria provided, conflicting classifications (1 of 4 stars). 4 submissions from 4 submitters: Uncertain significance (3); Likely benign (1). Last evaluated 2025-10-01.

Conditions:
Inborn genetic diseases. Identifiers: MedGen C0950123, MeSH D030342.
Spastic paraplegia. Identifiers: MedGen C0037772, HP:0001258.

Allele frequency attached by ClinVar (database versions not stated): ExAC 0.00006; gnomAD 0.00012 and 0.00014; gnomAD exomes 0.00013 and 0.00002; 1000 Genomes Project 0.00020; 1000 Genomes Project 30x 0.00031; TOPMed 0.00015.
gnomAD v4.1: 51 of 1,614,194 alleles (0.0032%); highest among the groups gnomAD compares: Admixed American, 0.075%; no homozygotes.

Submissions (4):

Ambry Genetics
Classification: Likely benign for Inborn genetic diseases. Last evaluated: 2025-10-01. Review status: criteria provided, single submitter. Criteria: Ambry Variant Classification Scheme 2023. Collection method: clinical testing. Allele origin: germline.

Labcorp Genetics (formerly Invitae), Labcorp
Classification: Uncertain significance for Spastic paraplegia. Last evaluated: 2022-10-17. Review status: criteria provided, single submitter. Criteria: Invitae Variant Classification Sherloc (09022015). Collection method: clinical testing. Allele origin: germline.
Comment: This sequence change replaces asparagine, which is neutral and polar, with lysine, which is basic and polar, at codon 494 of the ZFYVE26 protein (p.Asn494Lys). This variant is present in population databases (rs559473389, gnomAD 0.1%). This variant has not been reported in the literature in individuals affected with ZFYVE26-related conditions. ClinVar contains an entry for this variant (Variation ID: 969765). Algorithms developed to predict the effect of missense changes on protein structure and function (SIFT, PolyPhen-2, Align-GVGD) all suggest that this variant is likely to be tolerated. In summary, the available evidence is currently insufficient to determine the role of this variant in disease. Therefore, it has been classified as a Variant of Uncertain Significance.

Athena Diagnostics
Classification: Uncertain significance. Last evaluated: 2021-04-12. Review status: criteria provided, single submitter. Criteria: Athena Diagnostics criteria. Collection method: clinical testing. Allele origin: unknown.

Mayo Clinic Laboratories, Mayo Clinic
Classification: Uncertain significance. Last evaluated: 2020-10-12. Review status: criteria provided, single submitter. Criteria: ACMG Guidelines, 2015. Collection method: clinical testing. Allele origin: germline. Observed: 1 variant allele.